The following is an entry in ClinVar:

ClinVar aggregate classification (germline): Uncertain significance (1 of 4 stars; one submission).

Conditions:
Osteogenesis imperfecta type 8 (OI8). Identifiers: MedGen C1970458, MONDO:0012581, OMIM 610915.

Submission:

Labcorp Genetics (formerly Invitae), Labcorp
Classification: Uncertain significance for Osteogenesis imperfecta type 8. Last evaluated: 2023-06-23. Review status: criteria provided, single submitter. Criteria: Invitae Variant Classification Sherloc (09022015). Collection method: clinical testing. Allele origin: germline.
Comment: This variant is not present in population databases (gnomAD no frequency). This sequence change replaces tyrosine, which is neutral and polar, with histidine, which is basic and polar, at codon 343 of the P3H1 protein (p.Tyr343His). This variant has not been reported in the literature in individuals affected with P3H1-related conditions. Advanced modeling of protein sequence and biophysical properties (such as structural, functional, and spatial information, amino acid conservation, physicochemical variation, residue mobility, and thermodynamic stability) performed at Invitae indicates that this missense variant is not expected to disrupt P3H1 protein function. In summary, the available evidence is currently insufficient to determine the role of this variant in disease. Therefore, it has been classified as a Variant of Uncertain Significance.

NM_022356.4(P3H1):c.1027T>C (p.Tyr343His)

Gene: P3H1 (prolyl 3-hydroxylase 1; minus strand). Cytogenetic location: 1p34.2.
Variant type: single nucleotide variant.
Coding change: c.1027T>C on transcript NM_022356.4 (MANE Select); coding-DNA position 1027, T replaced by C.
Protein change: p.Tyr343His; replaces tyrosine 343 with histidine.
Molecular consequence: missense variant.
Genome position (GRCh38, 1-based): chr1:42,757,836, A>G on the plus strand (T>C on the coding strand, the complement: P3H1 is on the minus strand). VCF-style: chr1-42757836-A-G. GRCh37 (hg19) VCF-style: chr1-43223507-A-G.
Other names: c.1027T>C, p.Tyr343His (NM_001146289.2, NM_001243246.2); short protein forms Y343H.
Identifiers: ClinVar variation 2874581 (VCV002874581.3), dbSNP rs2524465375, ClinGen allele CA339958887.
Genomic context (GRCh38, chr1:42,757,836, plus strand): 5'-CTCTCACCTCACGGGGGCCGATGGATCTGGTGTGTTCTTCTCCAAGCATAGCTGCATAAT[A>G]GGCCAAATTTTGGTTCATCACCTCGTCATTGGGGAAGAAGAGAAGATAGGTCTTGGCACA-3'
Protein context (NP_071751.3, residues 333-353): NDEVMNQNLA[Tyr343His]YAAMLGEEHT